The following is an entry in ClinVar:

ClinVar aggregate classification (germline): Uncertain significance. Review status: criteria provided, multiple submitters, no conflicts (2 of 4 stars). 2 submissions from 2 submitters: Uncertain significance (2). Last evaluated 2025-01-02.

Conditions:
Hereditary nonpolyposis colorectal neoplasms. Identifiers: MedGen C0009405, MeSH D003123.
Hereditary cancer-predisposing syndrome. Also called: Tumor predisposition; Neoplastic Syndromes, Hereditary; Hereditary Cancer Syndrome; Hereditary neoplastic syndrome. Identifiers: Orphanet 140162, MedGen C0027672, MeSH D009386, MONDO:0015356.

Submissions (2):

Ambry Genetics
Classification: Uncertain significance for Hereditary cancer-predisposing syndrome. Last evaluated: 2025-01-02. Review status: criteria provided, single submitter. Criteria: Ambry Variant Classification Scheme 2023. Collection method: clinical testing. Allele origin: germline.
Comment: The p.M711I variant (also known as c.2133G>A), located in coding exon 12 of the PMS2 gene, results from a G to A substitution at nucleotide position 2133. The methionine at codon 711 is replaced by isoleucine, an amino acid with highly similar properties. This amino acid position is conserved. In addition, this alteration is predicted to be tolerated by in silico analysis. Based on the available evidence, the clinical significance of this variant remains unclear.

Labcorp Genetics (formerly Invitae), Labcorp
Classification: Uncertain significance for Hereditary nonpolyposis colorectal neoplasms. Last evaluated: 2024-10-20. Review status: criteria provided, single submitter. Criteria: Invitae Variant Classification Sherloc (09022015). Collection method: clinical testing. Allele origin: germline.
Comment: This sequence change replaces methionine, which is neutral and non-polar, with isoleucine, which is neutral and non-polar, at codon 711 of the PMS2 protein (p.Met711Ile). The frequency data for this variant in the population databases (gnomAD) is considered unreliable due to the presence of homologous sequence, such as pseudogenes or paralogs, in the genome. This variant has not been reported in the literature in individuals affected with PMS2-related conditions. ClinVar contains an entry for this variant (Variation ID: 1381083). Invitae Evidence Modeling incorporating data from in vitro experimental studies (internal data) indicates that this missense variant is not expected to disrupt PMS2 function with a negative predictive value of 95%. In summary, the available evidence is currently insufficient to determine the role of this variant in disease. Therefore, it has been classified as a Variant of Uncertain Significance.

NM_000535.7(PMS2):c.2133G>A (p.Met711Ile)

Gene: PMS2 (PMS1 homolog 2, mismatch repair system component; minus strand). Cytogenetic location: 7p22.1.
Variant type: single nucleotide variant.
Coding change: c.2133G>A on transcript NM_000535.7 (MANE Select); coding-DNA position 2133, G replaced by A.
Protein change: p.Met711Ile; replaces methionine 711 with isoleucine.
Molecular consequence: missense variant. On other transcripts: non-coding transcript variant (1).
Genome position (GRCh38, 1-based): chr7:5,982,865, C>T on the plus strand (G>A on the coding strand, the complement: PMS2 is on the minus strand). VCF-style: chr7-5982865-C-T. GRCh37 (hg19) VCF-style: chr7-6022496-C-T.
Other names: c.2133G>A (NM_000535.5); c.1728G>A, p.Met576Ile (NM_001322003.2, NM_001322004.2, NM_001322005.2 and 1 more transcripts); c.1977G>A, p.Met659Ile (NM_001322006.2); c.1815G>A, p.Met605Ile (NM_001322007.2, NM_001322008.2); c.1572G>A, p.Met524Ile (NM_001322010.2); c.1200G>A, p.Met400Ile (NM_001322011.2, NM_001322012.2); c.1560G>A, p.Met520Ile (NM_001322013.2); c.2133G>A, p.Met711Ile (NM_001322014.2); and 1 more; short protein forms M605I, M608I, M520I, M576I, M400I, M524I, M711I, M659I.
Identifiers: ClinVar variation 1381083 (VCV001381083.9), dbSNP rs2128702895, ClinGen allele CA366737919.